The following is an entry in ClinVar:

NM_015346.4(ZFYVE26):c.5485-2A>G

Gene: ZFYVE26 (zinc finger FYVE-type containing 26; minus strand). Cytogenetic location: 14q24.1.
Variant type: single nucleotide variant.
Coding change: c.5485-2A>G on transcript NM_015346.4 (MANE Select); the canonical splice acceptor site of the intron before coding-DNA position 5485, A replaced by G.
Molecular consequence: splice acceptor variant.
Genome position (GRCh38, 1-based): chr14:67,769,732, T>C on the plus strand (A>G on the coding strand, the complement: ZFYVE26 is on the minus strand). VCF-style: chr14-67769732-T-C. GRCh37 (hg19) VCF-style: chr14-68236449-T-C.
Identifiers: ClinVar variation 558095 (VCV000558095.3), dbSNP rs1555395288, ClinGen allele CA390167204.

ClinVar aggregate classification (germline): Likely pathogenic. Review status: criteria provided, single submitter (1 of 4 stars). 2 submissions from 2 submitters: Likely pathogenic (1). 1 of the submissions does not count toward it. Last evaluated 2024-06-27.

Conditions:
Hereditary spastic paraplegia 15 (SPG15). Also called: SPASTIC PARAPLEGIA 15, AUTOSOMAL RECESSIVE; KJELLIN SYNDROME; SPASTIC PARAPLEGIA AND RETINAL DEGENERATION. Identifiers: Orphanet 100996, MedGen C1849128, MONDO:0010044, OMIM 270700.

Allele frequency attached by ClinVar (database versions not stated): gnomAD exomes below 0.00001.
gnomAD v4.1: 1 of 1,613,972 alleles (0.000062%); highest among the groups gnomAD compares: Non-Finnish European, 0.000085%; no homozygotes.

Submissions (2):

Kariminejad - Najmabadi Pathology & Genetics Center
Classification: Likely pathogenic for Hereditary spastic paraplegia 15. Last evaluated: 2024-06-27. Review status: criteria provided, single submitter. Criteria: ACMG Guidelines, 2015. Collection method: clinical testing. Allele origin: germline. Inheritance: Autosomal recessive inheritance. Affected: yes.
Comment: PVS1_Strong,PM2_Moderate,PP5_Supporting

Counsyl
Classification: Likely pathogenic for Hereditary spastic paraplegia 15. Last evaluated: 2018-05-01. Review status: no assertion criteria provided. Collection method: clinical testing. Allele origin: unknown. Not counted in ClinVar's aggregate classification.